The following is an entry in ClinVar:

ClinVar aggregate classification (germline): Uncertain significance (1 of 4 stars; one submission).

gnomAD v4.1: 1 of 1,614,170 alleles (0.000062%); highest among the groups gnomAD compares: Non-Finnish European, 0.000085%; no homozygotes.

Submission:

Labcorp Genetics (formerly Invitae), Labcorp
Classification: Uncertain significance. Last evaluated: 2022-01-22. Review status: criteria provided, single submitter. Criteria: Invitae Variant Classification Sherloc (09022015). Collection method: clinical testing. Allele origin: germline.
Comment: This variant has not been reported in the literature in individuals affected with RUSC2-related conditions. In summary, the available evidence is currently insufficient to determine the role of this variant in disease. Therefore, it has been classified as a Variant of Uncertain Significance. Algorithms developed to predict the effect of missense changes on protein structure and function are either unavailable or do not agree on the potential impact of this missense change (SIFT: "Deleterious"; PolyPhen-2: "Benign"; Align-GVGD: "Class C15"). This variant is not present in population databases (gnomAD no frequency). This sequence change replaces threonine, which is neutral and polar, with isoleucine, which is neutral and non-polar, at codon 286 of the RUSC2 protein (p.Thr286Ile).

NM_014806.5(RUSC2):c.857C>T (p.Thr286Ile)

Gene: RUSC2 (RUN and SH3 domain containing 2; plus strand). Cytogenetic location: 9p13.3.
Variant type: single nucleotide variant.
Coding change: c.857C>T on transcript NM_014806.5 (MANE Select); coding-DNA position 857, C replaced by T.
Protein change: p.Thr286Ile; replaces threonine 286 with isoleucine.
Molecular consequence: missense variant. On other transcripts: non-coding transcript variant (1), intron variant (1).
Genome position (GRCh38, 1-based): chr9:35,547,378, C>T. VCF-style: chr9-35547378-C-T. GRCh37 (hg19) VCF-style: chr9-35547375-C-T.
Other names: c.857C>T, p.Thr286Ile (NM_001135999.2); c.-620-7682C>T (NM_001330740.2); short protein forms T286I.
Identifiers: ClinVar variation 1930978 (VCV001930978.5), dbSNP rs757255957, ClinGen allele CA373329356.